The following is an entry in ClinVar:

ClinVar aggregate classification (germline): Uncertain significance (1 of 4 stars; one submission).

Allele frequency attached by ClinVar (database versions not stated): TOPMed below 0.00001; gnomAD 0.00001.
gnomAD v4.1: 2 of 1,613,624 alleles (0.00012%); highest among the groups gnomAD compares: South Asian, 0.0011%; no homozygotes.

Submission:

Labcorp Genetics (formerly Invitae), Labcorp
Classification: Uncertain significance. Last evaluated: 2024-11-11. Review status: criteria provided, single submitter. Criteria: Invitae Variant Classification Sherloc (09022015). Collection method: clinical testing. Allele origin: germline.
Comment: This sequence change replaces tyrosine, which is neutral and polar, with cysteine, which is neutral and slightly polar, at codon 2735 of the SZT2 protein (p.Tyr2735Cys). This variant is present in population databases (no rsID available, gnomAD 0.007%). This variant has not been reported in the literature in individuals affected with SZT2-related conditions. ClinVar contains an entry for this variant (Variation ID: 1500860). Invitae Evidence Modeling of protein sequence and biophysical properties (such as structural, functional, and spatial information, amino acid conservation, physicochemical variation, residue mobility, and thermodynamic stability) indicates that this missense variant is not expected to disrupt SZT2 protein function with a negative predictive value of 80%. In summary, the available evidence is currently insufficient to determine the role of this variant in disease. Therefore, it has been classified as a Variant of Uncertain Significance.

NM_001365999.1(SZT2):c.8375A>G (p.Tyr2792Cys)

Gene: SZT2 (SZT2 subunit of KICSTOR complex; plus strand). Cytogenetic location: 1p34.2.
Variant type: single nucleotide variant.
Coding change: c.8375A>G on transcript NM_001365999.1 (MANE Select); coding-DNA position 8375, A replaced by G.
Protein change: p.Tyr2792Cys; replaces tyrosine 2792 with cysteine.
Molecular consequence: missense variant.
Genome position (GRCh38, 1-based): chr1:43,443,042, A>G. VCF-style: chr1-43443042-A-G. GRCh37 (hg19) VCF-style: chr1-43908713-A-G.
Other names: c.8204A>G, p.Tyr2735Cys (NM_015284.4); short protein forms Y2735C, Y2792C.
Identifiers: ClinVar variation 1500860 (VCV001500860.8), dbSNP rs1261615393, ClinGen allele CA340038738.